The following is an entry in ClinVar:

ClinVar aggregate classification (germline): Uncertain significance. Review status: criteria provided, multiple submitters, no conflicts (2 of 4 stars). 2 submissions from 2 submitters: Uncertain significance (2). Last evaluated 2025-10-13.

Conditions:
Cardiovascular phenotype. Identifiers: MedGen CN230736.
Myofibrillar myopathy 5. Also called: FILAMINOPATHY, AUTOSOMAL DOMINANT; Filaminopathy (type). Identifiers: Orphanet 171445, MedGen C1836050, MONDO:0012289, OMIM 609524.
Distal myopathy with posterior leg and anterior hand involvement. Also called: WILLIAMS DISTAL MYOPATHY. Identifiers: Orphanet 63273, MedGen C3279722, MONDO:0013550, OMIM 614065.
Hypertrophic cardiomyopathy 26. Also called: Cardiomyopathy, familial hypertrophic, 26. Identifiers: Orphanet 75249, MedGen C4310749, MONDO:0014883, OMIM 617047.

Allele frequency attached by ClinVar (database versions not stated): gnomAD exomes below 0.00001; TOPMed below 0.00001.

Submissions (2):

Labcorp Genetics (formerly Invitae), Labcorp
Classification: Uncertain significance for Distal myopathy with posterior leg and anterior hand involvement; Myofibrillar myopathy 5; Hypertrophic cardiomyopathy 26. Last evaluated: 2025-10-13. Review status: criteria provided, single submitter. Criteria: Invitae Variant Classification Sherloc (09022015). Collection method: clinical testing. Allele origin: germline.
Comment: This sequence change replaces threonine, which is neutral and polar, with isoleucine, which is neutral and non-polar, at codon 1611 of the FLNC protein (p.Thr1611Ile). This variant is not present in population databases (gnomAD no frequency). This variant has not been reported in the literature in individuals affected with FLNC-related conditions. ClinVar contains an entry for this variant (Variation ID: 851397). Invitae Evidence Modeling of protein sequence and biophysical properties (such as structural, functional, and spatial information, amino acid conservation, physicochemical variation, residue mobility, and thermodynamic stability) has been performed for this missense variant. However, the output from this modeling did not meet the statistical confidence thresholds required to predict the impact of this variant on FLNC protein function. In summary, the available evidence is currently insufficient to determine the role of this variant in disease. Therefore, it has been classified as a Variant of Uncertain Significance.

Ambry Genetics
Classification: Uncertain significance for Cardiovascular phenotype. Last evaluated: 2023-03-05. Review status: criteria provided, single submitter. Criteria: Ambry Variant Classification Scheme 2023. Collection method: clinical testing. Allele origin: germline.
Comment: The p.T1611I variant (also known as c.4832C>T), located in coding exon 28 of the FLNC gene, results from a C to T substitution at nucleotide position 4832. The threonine at codon 1611 is replaced by isoleucine, an amino acid with similar properties. This amino acid position is well conserved in available vertebrate species. In addition, this alteration is predicted to be deleterious by in silico analysis. Since supporting evidence is limited at this time, the clinical significance of this alteration remains unclear.

NM_001458.5(FLNC):c.4832C>T (p.Thr1611Ile)

Gene: FLNC (filamin C; plus strand). Cytogenetic location: 7q32.1.
Variant type: single nucleotide variant.
Coding change: c.4832C>T on transcript NM_001458.5 (MANE Select); coding-DNA position 4832, C replaced by T.
Protein change: p.Thr1611Ile; replaces threonine 1611 with isoleucine.
Molecular consequence: missense variant.
Genome position (GRCh38, 1-based): chr7:128,848,887, C>T. VCF-style: chr7-128848887-C-T. GRCh37 (hg19) VCF-style: chr7-128488941-C-T.
Other names: c.4832C>T, p.Thr1611Ile (NM_001127487.2); short protein forms T1611I.
Identifiers: ClinVar variation 851397 (VCV000851397.13), dbSNP rs1025308371, ClinGen allele CA166184624.